The following is an entry in ClinVar:

ClinVar aggregate classification (germline): Uncertain significance. Review status: criteria provided, multiple submitters, no conflicts (2 of 4 stars). 2 submissions from 2 submitters: Uncertain significance (2). Last evaluated 2026-01-06.

Conditions:
Bethlem myopathy 1A. Also called: Bethlem myopathy 1; MYOPATHY, BENIGN CONGENITAL, WITH CONTRACTURES; Bethlem Muscular Dystrophy. Identifiers: Orphanet 610, MedGen CN029274, MONDO:0024530, OMIM 158810.

Allele frequency attached by ClinVar (database versions not stated): gnomAD exomes 0.00001 and 0.00003; ExAC 0.00002; gnomAD 0.00003; TOPMed 0.00003.
gnomAD v4.1: 48 of 1,613,994 alleles (0.003%); highest among the groups gnomAD compares: Non-Finnish European, 0.0038%; no homozygotes.

Submissions (2):

Labcorp Genetics (formerly Invitae), Labcorp
Classification: Uncertain significance for Bethlem myopathy 1A. Last evaluated: 2026-01-06. Review status: criteria provided, single submitter. Criteria: Invitae Variant Classification Sherloc (09022015). Collection method: clinical testing. Allele origin: germline.
Comment: This sequence change replaces methionine, which is neutral and non-polar, with valine, which is neutral and non-polar, at codon 2001 of the COL6A3 protein (p.Met2001Val). This variant is present in population databases (rs201539582, gnomAD 0.003%). This variant has not been reported in the literature in individuals affected with COL6A3-related conditions. ClinVar contains an entry for this variant (Variation ID: 570697). Invitae Evidence Modeling of protein sequence and biophysical properties (such as structural, functional, and spatial information, amino acid conservation, physicochemical variation, residue mobility, and thermodynamic stability) indicates that this missense variant is not expected to disrupt COL6A3 protein function with a negative predictive value of 80%. In summary, the available evidence is currently insufficient to determine the role of this variant in disease. Therefore, it has been classified as a Variant of Uncertain Significance.

Revvity Omics, Revvity
Classification: Uncertain significance. Last evaluated: 2023-11-21. Review status: criteria provided, single submitter. Criteria: ACMG Guidelines, 2015. Collection method: clinical testing. Allele origin: germline.

NM_004369.4(COL6A3):c.6001A>G (p.Met2001Val)

Gene: COL6A3 (collagen type VI alpha 3 chain; minus strand). Cytogenetic location: 2q37.3.
Variant type: single nucleotide variant.
Coding change: c.6001A>G on transcript NM_004369.4 (MANE Select); coding-DNA position 6001, A replaced by G.
Protein change: p.Met2001Val; replaces methionine 2001 with valine.
Molecular consequence: missense variant.
Genome position (GRCh38, 1-based): chr2:237,363,315, T>C on the plus strand (A>G on the coding strand, the complement: COL6A3 is on the minus strand). VCF-style: chr2-237363315-T-C. GRCh37 (hg19) VCF-style: chr2-238271958-T-C.
Other names: c.4180A>G, p.Met1394Val (NM_057166.5); c.5383A>G, p.Met1795Val (NM_057167.4); short protein forms M2001V, M1394V, M1795V.
Identifiers: ClinVar variation 570697 (VCV000570697.12), dbSNP rs201539582, ClinGen allele CA2188503.